The following is an entry in ClinVar:

NM_012208.4(HARS2):c.766G>T (p.Val256Leu)

Gene: HARS2 (histidyl-tRNA synthetase 2, mitochondrial; plus strand). Cytogenetic location: 5q31.3.
Variant type: single nucleotide variant.
Coding change: c.766G>T on transcript NM_012208.4 (MANE Select); coding-DNA position 766, G replaced by T.
Protein change: p.Val256Leu; replaces valine 256 with leucine.
Molecular consequence: missense variant.
Genome position (GRCh38, 1-based): chr5:140,696,554, G>T. VCF-style: chr5-140696554-G-T. GRCh37 (hg19) VCF-style: chr5-140076139-G-T.
Other names: c.691G>T, p.Val231Leu (NM_001278731.2); c.334G>T, p.Val112Leu (NM_001278732.2); c.784G>T, p.Val262Leu (NM_001363535.2); c.556G>T, p.Val186Leu (NM_001363536.2); short protein forms V112L, V186L, V231L, V256L, V262L.
Identifiers: ClinVar variation 3899608 (VCV003899608.1).
Genomic context (GRCh38, chr5:140,696,554, plus strand): 5'-TGGGCTAATGTTTGGGTGTTTATGCAGATGGCTTGGAAAGATGTGAGACATGAGATGGTG[G>T]TGAAGAAAGGCCTGGCTCCTGAGGTGGCTGATCGAATTGGGGACTATGTCCAGTGTCATG-3'
Protein context (NP_036340.1, residues 246-266): AWKDVRHEMV[Val256Leu]KKGLAPEVAD

ClinVar aggregate classification (germline): Uncertain significance (1 of 4 stars; one submission).

gnomAD v4.1: 11 of 1,613,892 alleles (0.00068%); highest among the groups gnomAD compares: African/African-American, 0.0093%; no homozygotes.

Submission:

GeneDx
Classification: Uncertain significance. Last evaluated: 2024-11-15. Review status: criteria provided, single submitter. Criteria: GeneDx Variant Classification Process June 2021. Collection method: clinical testing. Allele origin: germline. Affected: yes.
Comment: Not observed at significant frequency in large population cohorts (gnomAD); In silico analysis indicates that this missense variant does not alter protein structure/function; Has not been previously published as pathogenic or benign to our knowledge